The following is an entry in ClinVar:

NM_032638.5(GATA2):c.944T>C (p.Leu315Pro)

Gene: GATA2 (GATA binding protein 2; minus strand). Cytogenetic location: 3q21.3.
Variant type: single nucleotide variant.
Coding change: c.944T>C on transcript NM_032638.5 (MANE Select); coding-DNA position 944, T replaced by C.
Protein change: p.Leu315Pro; replaces leucine 315 with proline.
Molecular consequence: missense variant.
Genome position (GRCh38, 1-based): chr3:128,483,933, A>G on the plus strand (T>C on the coding strand, the complement: GATA2 is on the minus strand). VCF-style: chr3-128483933-A-G. GRCh37 (hg19) VCF-style: chr3-128202776-A-G.
Other names: c.944T>C, p.Leu315Pro (NM_001145661.2, NM_001145662.1); short protein forms L315P.
Identifiers: ClinVar variation 1184145 (VCV001184145.1), dbSNP rs2107670416, ClinGen allele CA354404558.

ClinVar aggregate classification (germline): Likely pathogenic (1 of 4 stars; one submission).

Conditions:
Deafness-lymphedema-leukemia syndrome. Also called: Emberger syndrome; Lymphedema, primary, with myelodysplasia. Identifiers: Orphanet 3226, MedGen C3279664, MONDO:0013540, OMIM 614038.
GATA2 deficiency with susceptibility to MDS/AML. Identifiers: MedGen CN300066, MONDO:0042982.

Submission:

Molecular Pathology Research Laboratory, SA Pathology
Classification: Likely pathogenic for GATA2 deficiency with susceptibility to MDS/AML; Deafness-lymphedema-leukemia syndrome. Last evaluated: 2021-07-06. Review status: criteria provided, single submitter. Criteria: ACMG Guidelines, 2015. Collection method: curation. Allele origin: unknown. Inheritance: Autosomal dominant inheritance. Affected: yes. Observed: 1 variant allele.
Comment: PS4_Supporting, PM1, PM2, PP3

Literature cited by the submitters: PubMed 29724903; PubMed 26710799.